The following is an entry in ClinVar:

NM_020975.6(RET):c.2415G>A (p.Glu805=)

Gene: RET (ret proto-oncogene; plus strand). Cytogenetic location: 10q11.21.
Variant type: single nucleotide variant.
Coding change: c.2415G>A on transcript NM_020975.6 (MANE Select); coding-DNA position 2415, G replaced by A.
Protein change: p.Glu805=; no amino-acid change (glutamic acid 805 retained).
Molecular consequence: synonymous variant.
Genome position (GRCh38, 1-based): chr10:43,119,553, G>A. VCF-style: chr10-43119553-G-A. GRCh37 (hg19) VCF-style: chr10-43615001-G-A.
Other names: c.2415G>A, p.Glu805= (NM_000323.2, NM_001406743.1, NM_001406744.1 and 4 more transcripts); c.1653G>A, p.Glu551= (NM_001355216.2); c.2286G>A, p.Glu762= (NM_001406761.1, NM_001406762.1, NM_001406764.1); c.2280G>A, p.Glu760= (NM_001406763.1, NM_001406765.1); c.2127G>A, p.Glu709= (NM_001406766.1, NM_001406767.1, NM_001406770.1); c.2151G>A, p.Glu717= (NM_001406768.1); c.2019G>A, p.Glu673= (NM_001406769.1, NM_001406772.1); c.1977G>A, p.Glu659= (NM_001406771.1, NM_001406773.1); and 10 more.
Identifiers: ClinVar variation 1605752 (VCV001605752.12), dbSNP rs2132942981, ClinGen allele CA469479746.
Genomic context (GRCh38, chr10:43,119,553, plus strand): 5'-TGACCCGCACGCCCAGGGCCCCCTCTCTCCGCCCCCAGGCCCGCTCCTCCTCATCGTGGA[G>A]TACGCCAAATACGGCTCCCTGCGGGGCTTCCTCCGCGAGAGCCGCAAAGTGGGGCCTGGC-3'
Protein context (NP_066124.1, residues 795-815): SQDGPLLLIV[Glu805=]YAKYGSLRGF

ClinVar aggregate classification (germline): Likely benign. Review status: criteria provided, multiple submitters, no conflicts (2 of 4 stars). 3 submissions from 3 submitters: Likely benign (3). Last evaluated 2024-07-06.

Conditions:
Hereditary cancer-predisposing syndrome. Also called: Tumor predisposition; Hereditary neoplastic syndrome; Neoplastic Syndromes, Hereditary; Hereditary Cancer Syndrome. Identifiers: Orphanet 140162, MedGen C0027672, MeSH D009386, MONDO:0015356.
Multiple endocrine neoplasia, type 2 (MEN2). Identifiers: Orphanet 653, MedGen C4048306, MONDO:0019003. Disease mechanism: gain of function.

Submissions (3):

Labcorp Genetics (formerly Invitae), Labcorp
Classification: Likely benign for Multiple endocrine neoplasia, type 2. Last evaluated: 2024-07-06. Review status: criteria provided, single submitter. Criteria: Invitae Variant Classification Sherloc (09022015). Collection method: clinical testing. Allele origin: germline.

All of Us Research Program, National Institutes of Health
Classification: Likely benign for Multiple endocrine neoplasia, type 2. Last evaluated: 2023-12-13. Review status: criteria provided, single submitter. Criteria: ACMG Guidelines, 2015. Collection method: clinical testing. Allele origin: germline. Inheritance: Autosomal dominant inheritance. Observed: 1 variant allele, 1 heterozygote.
Comment: This study involves interpretation of variants in research participants for the purpose of population health screening. Participant phenotype was not available at the time of variant classification. Additional details can be found in publication PMID: 35346344, PMCID: PMC8962531

Ambry Genetics
Classification: Likely benign for Hereditary cancer-predisposing syndrome. Last evaluated: 2023-09-09. Review status: criteria provided, single submitter. Criteria: Ambry Variant Classification Scheme 2023. Collection method: clinical testing. Allele origin: germline.